The following is an entry in ClinVar:

ClinVar aggregate classification (germline): Likely pathogenic. Review status: criteria provided, multiple submitters, no conflicts (2 of 4 stars). 3 submissions from 3 submitters: Likely pathogenic (2). 1 of the submissions does not count toward it. Last evaluated 2025-03-06.

Conditions:
Aspartylglucosaminuria (AGU). Also called: AGA DEFICIENCY; GLYCOASPARAGINASE; GLYCOSYLASPARAGINASE DEFICIENCY; Aspartylglucos-aminuria; Aspartylglucos-amidase (AGA) deficiency. Identifiers: Orphanet 93, MedGen C0268225, MONDO:0008830, OMIM 208400, HP:0012068.

Submissions (3):

Labcorp Genetics (formerly Invitae), Labcorp
Classification: Likely pathogenic for Aspartylglucosaminuria. Last evaluated: 2025-03-06. Review status: criteria provided, single submitter. Criteria: Invitae Variant Classification Sherloc (09022015). Collection method: clinical testing. Allele origin: germline.
Comment: This sequence change affects a donor splice site in intron 2 of the AGA gene. It is expected to disrupt RNA splicing. Variants that disrupt the donor or acceptor splice site typically lead to a loss of protein function (PMID: 16199547), and loss-of-function variants in AGA are known to be pathogenic (PMID: 7627186, 11309371). This variant is not present in population databases (gnomAD no frequency). This variant has not been reported in the literature in individuals affected with AGA-related conditions. ClinVar contains an entry for this variant (Variation ID: 550676). Algorithms developed to predict the effect of sequence changes on RNA splicing suggest that this variant may disrupt the consensus splice site. In summary, the currently available evidence indicates that the variant is pathogenic, but additional data are needed to prove that conclusively. Therefore, this variant has been classified as Likely Pathogenic.

Fulgent Genetics
Classification: Likely pathogenic for Aspartylglucosaminuria. Last evaluated: 2018-10-31. Review status: criteria provided, single submitter. Criteria: ACMG Guidelines, 2015. Collection method: clinical testing. Allele origin: unknown.

Counsyl
Classification: Likely pathogenic for Aspartylglucosaminuria. Last evaluated: 2017-02-14. Review status: no assertion criteria provided. Collection method: clinical testing. Allele origin: unknown. Not counted in ClinVar's aggregate classification.

Literature cited by the submitters: PubMed 16199547 (cited by Labcorp Genetics (formerly Invitae), Labcorp); PubMed 7627186 (cited by Labcorp Genetics (formerly Invitae), Labcorp); PubMed 11309371 (cited by Labcorp Genetics (formerly Invitae), Labcorp).

NM_000027.4(AGA):c.281+1G>T

Gene: AGA (aspartylglucosaminidase; minus strand). Cytogenetic location: 4q34.3.
Variant type: single nucleotide variant.
Coding change: c.281+1G>T on transcript NM_000027.4 (MANE Select); the canonical splice donor site of the intron after coding-DNA position 281, G replaced by T.
Molecular consequence: splice donor variant.
Genome position (GRCh38, 1-based): chr4:177,440,272, C>A on the plus strand (G>T on the coding strand, the complement: AGA is on the minus strand). VCF-style: chr4-177440272-C-A. GRCh37 (hg19) VCF-style: chr4-178361426-C-A.
Other names: c.281+1G>T (NM_001171988.2).
Identifiers: ClinVar variation 550676 (VCV000550676.6), dbSNP rs1553994812, ClinGen allele CA358784015.
Genomic context (GRCh38, chr4:177,440,272, plus strand): 5'-AGAAGACCACAACTCTAAATGTAACTCAACATAATAAATAGGACCTGAACGGTGTTCTTA[C>A]CCATCCATGATCATGGCATCTAGTGTGGTTTCTCCAAGTTCATCAGGACTTCCTCCAAAG-3'